The following is an entry in ClinVar:

NM_001261826.3(AP3D1):c.2680-2A>C

Gene: AP3D1 (adaptor related protein complex 3 subunit delta 1; minus strand). Cytogenetic location: 19p13.3.
Variant type: single nucleotide variant.
Coding change: c.2680-2A>C on transcript NM_001261826.3 (MANE Select); the canonical splice acceptor site of the intron before coding-DNA position 2680, A replaced by C.
Molecular consequence: splice acceptor variant. On other transcripts: intron variant (2).
Genome position (GRCh38, 1-based): chr19:2,112,969, T>G on the plus strand (A>C on the coding strand, the complement: AP3D1 is on the minus strand). VCF-style: chr19-2112969-T-G. GRCh37 (hg19) VCF-style: chr19-2112968-T-G.
Other names: c.2602-1141A>C (NM_003938.8); c.2680-38A>C (NM_001374799.1).
Identifiers: ClinVar variation 1467253 (VCV001467253.7), dbSNP rs367888440, ClinGen allele CA9058766.

ClinVar aggregate classification (germline): Uncertain significance (1 of 4 stars; one submission).

Allele frequency attached by ClinVar (database versions not stated): gnomAD exomes 0.00002; ExAC 0.00005; ESP Exome Variant Server 0.00008; TOPMed 0.00011; gnomAD 0.00015 and 0.00016.
gnomAD v4.1: 34 of 1,606,538 alleles (0.0021%); highest among the groups gnomAD compares: African/African-American, 0.044%; no homozygotes.

Submissions (2):

Labcorp Genetics (formerly Invitae), Labcorp
Classification: Uncertain significance. Last evaluated: 2025-11-19. Review status: criteria provided, single submitter. Criteria: Invitae Variant Classification Sherloc (09022015). Collection method: clinical testing. Allele origin: germline.
Comment: This sequence change affects an acceptor splice site in intron 23 of the AP3D1 gene. It is expected to disrupt RNA splicing. Variants that disrupt the donor or acceptor splice site typically lead to a loss of protein function (PMID: 16199547), however the current clinical and genetic evidence is not sufficient to establish whether loss-of-function variants in AP3D1 cause disease. This variant is present in population databases (rs367888440, gnomAD 0.04%). This variant has not been reported in the literature in individuals affected with AP3D1-related conditions. ClinVar contains an entry for this variant (Variation ID: 1467253). Algorithms developed to predict the effect of sequence changes on RNA splicing suggest that this variant may disrupt the consensus splice site. In summary, the available evidence is currently insufficient to determine the role of this variant in disease. Therefore, it has been classified as a Variant of Uncertain Significance.

Dr. Peter K. Rogan Lab, Western University
No classification provided (evidence only). Condition: Acute myeloid leukemia. Review status: no classification provided. Collection method: in vitro. Allele origin: not applicable. Functional consequence: retained intron. Not counted in ClinVar's aggregate classification.

Literature cited by the submitters: PubMed 16199547 (cited by Labcorp Genetics (formerly Invitae), Labcorp).